The following is an entry in ClinVar:

ClinVar aggregate classification (germline): Uncertain significance (1 of 4 stars; one submission).

Allele frequency attached by ClinVar (database versions not stated): ESP Exome Variant Server 0.00008.

Submission:

Labcorp Genetics (formerly Invitae), Labcorp
Classification: Uncertain significance. Last evaluated: 2022-03-13. Review status: criteria provided, single submitter. Criteria: Invitae Variant Classification Sherloc (09022015). Collection method: clinical testing. Allele origin: germline.
Comment: This sequence change replaces arginine, which is basic and polar, with histidine, which is basic and polar, at codon 114 of the SLC46A1 protein (p.Arg114His). This variant is not present in population databases (gnomAD no frequency). This variant has not been reported in the literature in individuals affected with SLC46A1-related conditions. Experimental studies and prediction algorithms are not available or were not evaluated, and the functional significance of this variant is currently unknown. In summary, the available evidence is currently insufficient to determine the role of this variant in disease. Therefore, it has been classified as a Variant of Uncertain Significance.

NM_080669.6(SLC46A1):c.341G>A (p.Arg114His)

Gene: SLC46A1 (solute carrier family 46 member 1; minus strand). Cytogenetic location: 17q11.2.
Variant type: single nucleotide variant.
Coding change: c.341G>A on transcript NM_080669.6 (MANE Select); coding-DNA position 341, G replaced by A.
Protein change: p.Arg114His; replaces arginine 114 with histidine.
Molecular consequence: missense variant.
Genome position (GRCh38, 1-based): chr17:28,405,356, C>T on the plus strand (G>A on the coding strand, the complement: SLC46A1 is on the minus strand). VCF-style: chr17-28405356-C-T. GRCh37 (hg19) VCF-style: chr17-26732374-C-T.
Other names: c.341G>A, p.Arg114His (NM_001242366.3); short protein forms R114H.
Identifiers: ClinVar variation 1917288 (VCV001917288.2), dbSNP rs369959215, ClinGen allele CA8458345.